The following is an entry in ClinVar:

ClinVar aggregate classification (germline): Likely pathogenic (1 of 4 stars; one submission).

Conditions:
Neurodevelopmental disorder. Identifiers: MedGen C1535926, MeSH D065886, MONDO:0700092.

Allele frequency attached by ClinVar (database versions not stated): TOPMed below 0.00001.

Submission:

Institute of Human Genetics, University of Leipzig Medical Center
Classification: Likely pathogenic for Neurodevelopmental disorder. Last evaluated: 2024-02-12. Review status: criteria provided, single submitter. Criteria: ACMG Guidelines, 2015. Collection method: clinical testing. Allele origin: de novo. Affected: yes.
Comment: This variant was identified as de novo (maternity and paternity confirmed) Criteria applied: PM2_SUP, PS2_MOD, PS3_MOD, PM1_SUP

Literature cited by the submitters: DOI 10.1007/s00439-024-02655-4.

NM_001363540.2(DOCK4):c.3200T>C (p.Ile1067Thr)

Gene: DOCK4 (dedicator of cytokinesis 4; minus strand). Cytogenetic location: 7q31.1.
Variant type: single nucleotide variant.
Coding change: c.3200T>C on transcript NM_001363540.2 (MANE Select); coding-DNA position 3200, T replaced by C.
Protein change: p.Ile1067Thr; replaces isoleucine 1067 with threonine.
Molecular consequence: missense variant.
Genome position (GRCh38, 1-based): chr7:111,790,572, A>G on the plus strand (T>C on the coding strand, the complement: DOCK4 is on the minus strand). VCF-style: chr7-111790572-A-G. GRCh37 (hg19) VCF-style: chr7-111430628-A-G.
Other names: c.3200T>C, p.Ile1067Thr (NM_014705.4); short protein forms I1067T.
Identifiers: ClinVar variation 2627577 (VCV002627577.2), dbSNP rs1799458667, ClinGen allele CA368959772.